The following is an entry in ClinVar:

ClinVar aggregate classification (germline): Uncertain significance (1 of 4 stars; one submission).

Submission:

GeneDx
Classification: Uncertain significance. Last evaluated: 2024-04-04. Review status: criteria provided, single submitter. Criteria: GeneDx Variant Classification Process June 2021. Collection method: clinical testing. Allele origin: germline. Affected: yes.
Comment: In-frame deletion of one amino acid in a non-repeat region; In silico analysis supports a deleterious effect on protein structure/function; No data available from control populations to assess the frequency of this variant; This variant is associated with the following publications: (PMID: 26884280)

NM_001099857.5(IKBKG):c.854AGG[2] (p.Glu287del)

Gene: IKBKG (inhibitor of nuclear factor kappa B kinase regulatory subunit gamma; plus strand). Cytogenetic location: Xq28.
Variant type: Microsatellite.
Coding change: c.854AGG[2] on transcript NM_001099857.5 (MANE Select); two copies in a row of the 3-base unit AGG starting at c.854; the reference has three copies in a row; one copy, 3 bases deleted.
Protein change: p.Glu287del; deletes glutamic acid 287.
Molecular consequence: inframe deletion. On other transcripts: inframe indel (2), non-coding transcript variant (1), intron variant (1).
Genome position (GRCh38, 1-based): chrX:154,562,901-154,562,903, AGG deleted; deleting any 3 consecutive bases within chrX:154,562,895-154,562,903 gives the same sequence; the position shown is the placement nearest the transcript's 3' end. VCF-style (leftmost placement, unchanged base first): chrX-154562894-AAGG-A. GRCh37 (hg19) VCF-style: chrX-153791109-AAGG-A.
Other names: c.1058AGG[2], p.Glu355del (NM_001099856.6); c.854AGG[2], p.Glu287del (NM_001321396.3, NM_001377312.1, NM_003639.4); c.851AGG[2], p.Glu286del (NM_001321397.3, NM_001377313.1); c.698AGG[2], p.Glu235del (NM_001377314.1); c.485AGG[2], p.Glu164del (NM_001377315.1); c.854_856AGG[2], p.Glu287del (NM_003639.3); c.616-664AGG[2] (NM_001145255.4); c.860_862del (NM_003639.3); short protein forms E164del, E235del, E286del, E287del, E355del.
Identifiers: ClinVar variation 3252648 (VCV003252648.1), dbSNP rs2523377674.
Genomic context (GRCh38, chrX:154,562,894, plus strand): 5'-CAGCAGCTCCAGCAGGCCGAGGAGGCCCTGGTGGCCAAACAGGAGGTGATCGATAAGCTG[AAGG>A]AGGAGGCCGAGCAGCACAAGATTGTGATGGAGACCGTTCCGGTGCTGAAGGCCCAGGTGA-3'